The following is an entry in ClinVar:

ClinVar aggregate classification (germline): Uncertain significance (1 of 4 stars; one submission).

Allele frequency attached by ClinVar (database versions not stated): gnomAD exomes below 0.00001; gnomAD 0.00001; ExAC 0.00002.
gnomAD v4.1: 2 of 1,610,284 alleles (0.00012%); highest among the groups gnomAD compares: Non-Finnish European, 0.00017%; no homozygotes.

Submission:

Ambry Genetics
Classification: Uncertain significance. Last evaluated: 2024-10-25. Review status: criteria provided, single submitter. Criteria: Ambry Variant Classification Scheme 2023. Collection method: clinical testing. Allele origin: germline.
Comment: The p.E629K variant (also known as c.1885G>A), located in coding exon 17 of the RAD54L gene, results from a G to A substitution at nucleotide position 1885. The glutamic acid at codon 629 is replaced by lysine, an amino acid with similar properties. This amino acid position is conserved. In addition, this alteration is predicted to be deleterious by in silico analysis. Since supporting evidence is limited at this time, the clinical significance of this alteration remains unclear.

NM_003579.4(RAD54L):c.1885G>A (p.Glu629Lys)

Genes: RAD54L (RAD54 like; plus strand), LRRC41 (leucine rich repeat containing 41; minus strand). Cytogenetic location: 1p34.1.
Variant type: single nucleotide variant.
Coding change: c.1885G>A on transcript NM_003579.4 (MANE Select); coding-DNA position 1885, G replaced by A.
Protein change: p.Glu629Lys; replaces glutamic acid 629 with lysine.
Molecular consequence: missense variant. On other transcripts: 3 prime UTR variant (1).
Genome position (GRCh38, 1-based): chr1:46,277,832, G>A. VCF-style: chr1-46277832-G-A. GRCh37 (hg19) VCF-style: chr1-46743504-G-A.
Other names: c.*1033C>T (NM_006369.5); c.1885G>A, p.Glu629Lys (NM_001142548.2); c.1345G>A, p.Glu449Lys (NM_001370766.1); short protein forms E449K, E629K.
Identifiers: ClinVar variation 1781972 (VCV001781972.3), dbSNP rs1553170121, ClinGen allele CA834761.